The following is an entry in ClinVar:

NM_022367.4(SEMA4A):c.1693+1G>T

Gene: SEMA4A (semaphorin 4A; plus strand). Cytogenetic location: 1q22.
Variant type: single nucleotide variant.
Coding change: c.1693+1G>T on transcript NM_022367.4 (MANE Select); the canonical splice donor site of the intron after coding-DNA position 1693, G replaced by T.
Molecular consequence: splice donor variant.
Genome position (GRCh38, 1-based): chr1:156,175,657, G>T. VCF-style: chr1-156175657-G-T. GRCh37 (hg19) VCF-style: chr1-156145448-G-T.
Other names: c.1186+1G>T (NM_001370571.1, NM_001370569.1); c.1693+1G>T (NM_001193300.2, NM_001193301.2, NM_001370567.1); c.1396+1G>T (NM_001370568.1); c.1297+1G>T (NM_001193302.2).
Identifiers: ClinVar variation 2033575 (VCV002033575.5), dbSNP rs772953024, ClinGen allele CA342810115.
Genomic context (GRCh38, chr1:156,175,657, plus strand): 5'-GGGCATGTGCCAGTGGCCCCATGAGCAGGAGCCTTCGGCCTCAGAGCCGCCCGCAAATCA[G>T]TGAGTGTAGGACCACTCACCAGGGGAGGTGCAAAGGCTCTGGAAGACTTTTGGGCAGGGG-3'

ClinVar aggregate classification (germline): Conflicting classifications of pathogenicity. Review status: criteria provided, conflicting classifications (1 of 4 stars). 2 submissions from 2 submitters: Likely pathogenic (1); Uncertain significance (1). Last evaluated 2022-10-01.

Conditions:
SEMA4A-related disorder. Also called: SEMA4A-related condition.

Submissions (2):

Labcorp Genetics (formerly Invitae), Labcorp
Classification: Uncertain significance. Last evaluated: 2022-10-01. Review status: criteria provided, single submitter. Criteria: Invitae Variant Classification Sherloc (09022015). Collection method: clinical testing. Allele origin: germline.
Comment: In summary, the available evidence is currently insufficient to determine the role of this variant in disease. Therefore, it has been classified as a Variant of Uncertain Significance. Variants that disrupt the consensus splice site are a relatively common cause of aberrant splicing (PMID: 17576681, 9536098). Algorithms developed to predict the effect of sequence changes on RNA splicing suggest that this variant may disrupt the consensus splice site. This variant has not been reported in the literature in individuals affected with SEMA4A-related conditions. This variant is not present in population databases (gnomAD no frequency). This sequence change falls in intron 14 of the SEMA4A gene. It does not directly change the encoded amino acid sequence of the SEMA4A protein. It affects a nucleotide within the consensus splice site.

Blueprint Genetics
Classification: Likely pathogenic for SEMA4A-related disorders. Last evaluated: 2018-10-03. Review status: criteria provided, single submitter. Criteria: ACMG Guidelines, 2015. Collection method: clinical testing. Allele origin: germline. Affected: yes. Observed: 1 variant allele.

Literature cited by the submitters: PubMed 17576681 (cited by Labcorp Genetics (formerly Invitae), Labcorp); PubMed 9536098 (cited by Labcorp Genetics (formerly Invitae), Labcorp).